The following is an entry in ClinVar:

NM_000719.7(CACNA1C):c.5813TCC[1] (p.Leu1939del)

Genes: CACNA1C-AS1 (CACNA1C antisense RNA 1; minus strand), CACNA1C (calcium voltage-gated channel subunit alpha1 C; plus strand). Cytogenetic location: 12p13.33.
Variant type: Microsatellite.
Coding change: c.5813TCC[1] on transcript NM_000719.7 (MANE Select); one copy of the 3-base unit TCC starting at c.5813; the reference has two copies in a row; one copy, 3 bases deleted.
Protein change: p.Leu1939del; deletes leucine 1939.
Molecular consequence: inframe deletion.
Genome position (GRCh38, 1-based): chr12:2,688,478-2,688,480, TCC deleted; deleting any 3 consecutive bases within chr12:2,688,473-2,688,480 gives the same sequence; the position shown is the placement nearest the transcript's 3' end. VCF-style (leftmost placement, unchanged base first): chr12-2688472-CCCT-C. GRCh37 (hg19) VCF-style: chr12-2797638-CCCT-C.
Other names: c.5957TCC[1], p.Leu1987del (NM_001129827.2); c.5936TCC[1], p.Leu1980del (NM_001129829.2); c.5918TCC[1], p.Leu1974del (NM_001129830.3, NM_001167624.3); c.5897TCC[1], p.Leu1967del (NM_001129831.2); c.5873TCC[1], p.Leu1959del (NM_001129832.2); c.5870TCC[1], p.Leu1958del (NM_001129833.2, NM_001129834.2, NM_001129835.2); c.5864TCC[1], p.Leu1956del (NM_001129836.2); c.5837TCC[1], p.Leu1947del (NM_001129837.2, NM_001129838.2); and 7 more; short protein forms L1980del, L2022del, L1945del, L1947del, L1959del, L1987del, L1928del, L1936del.
Identifiers: ClinVar variation 938787 (VCV000938787.13), dbSNP rs758451142, ClinGen allele CA6389997.

ClinVar aggregate classification (germline): Conflicting classifications of pathogenicity. Review status: criteria provided, conflicting classifications (1 of 4 stars). 2 submissions from 2 submitters: Uncertain significance (1); Likely benign (1). Last evaluated 2023-07-14.

Conditions:
Cardiovascular phenotype. Identifiers: MedGen CN230736.
Long QT syndrome (LQTS). Identifiers: MedGen C0023976, MeSH D008133, MONDO:0002442. Disease mechanism: loss of function. Inheritance: Various modes of inheritance.

Submissions (2):

Labcorp Genetics (formerly Invitae), Labcorp
Classification: Uncertain significance for Long QT syndrome. Last evaluated: 2023-07-14. Review status: criteria provided, single submitter. Criteria: Invitae Variant Classification Sherloc (09022015). Collection method: clinical testing. Allele origin: germline.
Comment: In summary, the available evidence is currently insufficient to determine the role of this variant in disease. Therefore, it has been classified as a Variant of Uncertain Significance. Experimental studies and prediction algorithms are not available or were not evaluated, and the functional significance of this variant is currently unknown. ClinVar contains an entry for this variant (Variation ID: 938787). This variant has not been reported in the literature in individuals affected with CACNA1C-related conditions. This variant is present in population databases (rs758451142, gnomAD 0.02%). This variant, c.5816_5818del, results in the deletion of 1 amino acid(s) of the CACNA1C protein (p.Leu1939del), but otherwise preserves the integrity of the reading frame.

Ambry Genetics
Classification: Likely benign for Cardiovascular phenotype. Last evaluated: 2023-03-06. Review status: criteria provided, single submitter. Criteria: Ambry Variant Classification Scheme 2023. Collection method: clinical testing. Allele origin: germline.